The following is an entry in ClinVar:

ClinVar aggregate classification (germline): Uncertain significance (1 of 4 stars; one submission).

gnomAD v4.1: 76 of 1,613,412 alleles (0.0047%); highest among the groups gnomAD compares: South Asian, 0.029%; no homozygotes.

Submission:

GeneDx
Classification: Uncertain significance. Last evaluated: 2024-08-15. Review status: criteria provided, single submitter. Criteria: GeneDx Variant Classification Process June 2021. Collection method: clinical testing. Allele origin: germline. Affected: yes.
Comment: Has not been previously published as pathogenic or benign to our knowledge; In silico analysis supports that this missense variant has a deleterious effect on protein structure/function

NM_016194.4(GNB5):c.1105C>T (p.Arg369Cys)

Gene: GNB5 (G protein subunit beta 5; minus strand). Cytogenetic location: 15q21.2.
Variant type: single nucleotide variant.
Coding change: c.1105C>T on transcript NM_016194.4 (MANE Select); coding-DNA position 1105, C replaced by T.
Protein change: p.Arg369Cys; replaces arginine 369 with cysteine.
Molecular consequence: missense variant.
Genome position (GRCh38, 1-based): chr15:52,124,544, G>A on the plus strand (C>T on the coding strand, the complement: GNB5 is on the minus strand). VCF-style: chr15-52124544-G-A. GRCh37 (hg19) VCF-style: chr15-52416741-G-A.
Other names: c.823C>T, p.Arg275Cys (NM_001379343.1); c.979C>T, p.Arg327Cys (NM_006578.4); short protein forms R275C, R369C, R327C.
Identifiers: ClinVar variation 3731060 (VCV003731060.1).
Genomic context (GRCh38, chr15:52,124,544, plus strand): 5'-GATCCCATGATCCAGAGCAGAAAGCAGTCCCATCGGGGGAAACTCGTAGAGTGCTAACGC[G>A]GTTTTCATGTCCAAACAGGATGGAGACCCGGGACCCTTTGAGAACATCCCAGACGTTGAT-3'
Protein context (NP_057278.2, residues 359-379): RVSILFGHEN[Arg369Cys]VSTLRVSPDG